The following is an entry in ClinVar:

ClinVar aggregate classification (germline): Uncertain significance. Review status: criteria provided, multiple submitters, no conflicts (2 of 4 stars). 2 submissions from 2 submitters: Uncertain significance (2). Last evaluated 2025-04-01.

Conditions:
Frontotemporal dementia and/or amyotrophic lateral sclerosis 4. Also called: FTDALS4. Identifiers: Orphanet 275872, MedGen C4225325, MONDO:0014641, OMIM 616439.

Submissions (2):

Dasa
Classification: Uncertain significance for frontotemporal dementia and/or amyotrophic lateral sclerosis 4. Last evaluated: 2025-04-01. Review status: criteria provided, single submitter. Criteria: DASA Assertion Criteria. Collection method: clinical testing. Allele origin: germline.
Comment: NM_013254.4(TBK1):c.527C>T (p.Thr176Ile) is a missense variant that results in the substitution of threonine with isoleucine. This variant is absent from population databases. Computational prediction algorithms are consistent with a deleterious effect. The currently available literature and clinical evidence are not sufficient to establish a definitive association between this variant and the reported condition. Therefore, this variant is classified as a variant of uncertain significance.

Labcorp Genetics (formerly Invitae), Labcorp
Classification: Uncertain significance for Frontotemporal dementia and/or amyotrophic lateral sclerosis 4. Last evaluated: 2021-12-09. Review status: criteria provided, single submitter. Criteria: Invitae Variant Classification Sherloc (09022015). Collection method: clinical testing. Allele origin: germline.
Comment: This variant has not been reported in the literature in individuals affected with TBK1-related conditions. Advanced modeling of protein sequence and biophysical properties (such as structural, functional, and spatial information, amino acid conservation, physicochemical variation, residue mobility, and thermodynamic stability) performed at Invitae indicates that this missense variant is expected to disrupt TBK1 protein function. In summary, the available evidence is currently insufficient to determine the role of this variant in disease. Therefore, it has been classified as a Variant of Uncertain Significance. This variant is not present in population databases (gnomAD no frequency). This sequence change replaces threonine, which is neutral and polar, with isoleucine, which is neutral and non-polar, at codon 176 of the TBK1 protein (p.Thr176Ile).

NM_013254.4(TBK1):c.527C>T (p.Thr176Ile)

Gene: TBK1 (TANK binding kinase 1; plus strand). Cytogenetic location: 12q14.2.
Variant type: single nucleotide variant.
Coding change: c.527C>T on transcript NM_013254.4 (MANE Select); coding-DNA position 527, C replaced by T.
Protein change: p.Thr176Ile; replaces threonine 176 with isoleucine.
Molecular consequence: missense variant.
Genome position (GRCh38, 1-based): chr12:64,467,069, C>T. VCF-style: chr12-64467069-C-T. GRCh37 (hg19) VCF-style: chr12-64860849-C-T.
Other names: short protein forms T176I.
Identifiers: ClinVar variation 1479410 (VCV001479410.8), dbSNP rs2136063629, ClinGen allele CA385596250.